The following is an entry in ClinVar:

NC_012920.1(MT-ATP6):m.8723G>A

Gene: MT-ATP6 (mitochondrially encoded ATP synthase 6; plus strand).
Variant type: single nucleotide variant.
Genome position: chrM-8723-G-A.
Identifiers: ClinVar variation 692965 (VCV000692965.1), dbSNP rs1603221734, ClinGen allele CA414797669.
Genomic context (GRCh38, chrMT:8,723, plus strand): 5'-AACAATGACTAATCAAACTAACCTCAAAACAAATGATAACCATACACAACACTAAAGGAC[G>A]AACCTGATCTCTTATACTAGTATCCTTAATCATTTTTATTGCCACAACTAACCTCCTCGG-3'

ClinVar aggregate classification (germline): Benign (1 of 4 stars; one submission).

Conditions:
Leigh syndrome (NULS). Also called: Leigh's necrotizing encephalopathy; Leigh's disease; Leigh Syndrome (mtDNA deletion); Leigh Disease; Subacute necrotizing encephalopathy; Necrotizing encephalopathy infantile subacute of Leigh. Identifiers: Orphanet 506, MedGen C2931891, MONDO:0009723, OMIM 256000.

Submission:

Wong Mito Lab, Molecular and Human Genetics, Baylor College of Medicine
Classification: Benign for Leigh syndrome. Last evaluated: 2019-10-17. Review status: criteria provided, single submitter. Criteria: Modified ACMG Guidelines (Unpublished). Collection method: clinical testing. Allele origin: germline.
Comment: The NC_012920.1:m.8723G>A (YP_003024031.1:p.Arg66Gln) variant in MTATP6 gene is interpretated to be a Benign variant based on the modified ACMG guidelines (unpublished). This variant meets the following evidence codes: BS1, BS2, BP4